The following is an entry in ClinVar:

ClinVar aggregate classification (germline): Uncertain significance (1 of 4 stars; one submission).

Submission:

CeGaT Center for Human Genetics Tuebingen
Classification: Uncertain significance. Last evaluated: 2026-07-01. Review status: criteria provided, single submitter. Criteria: CeGaT Center For Human Genetics Tuebingen Variant Classification Criteria Version 2. Collection method: clinical testing. Allele origin: germline. Affected: yes. Observed: 1 variant allele.
Comment: DZIP1L: PM2

NM_173543.3(DZIP1L):c.433C>T (p.Arg145Trp)

Gene: DZIP1L (DAZ interacting zinc finger protein 1 like; minus strand). Cytogenetic location: 3q22.3.
Variant type: single nucleotide variant.
Coding change: c.433C>T on transcript NM_173543.3 (MANE Select); coding-DNA position 433, C replaced by T.
Protein change: p.Arg145Trp; replaces arginine 145 with tryptophan.
Molecular consequence: missense variant.
Genome position (GRCh38, 1-based): chr3:138,103,539, G>A on the plus strand (C>T on the coding strand, the complement: DZIP1L is on the minus strand). VCF-style: chr3-138103539-G-A. GRCh37 (hg19) VCF-style: chr3-137822381-G-A.
Other names: c.433C>T, p.Arg145Trp (NM_001170538.1); short protein forms R145W.
Identifiers: ClinVar variation 5039021 (VCV005039021.1).